The following is an entry in ClinVar:

NM_004370.6(COL12A1):c.6272A>C (p.Tyr2091Ser)

Gene: COL12A1 (collagen type XII alpha 1 chain; minus strand). Cytogenetic location: 6q13.
Variant type: single nucleotide variant.
Coding change: c.6272A>C on transcript NM_004370.6 (MANE Select); coding-DNA position 6272, A replaced by C.
Protein change: p.Tyr2091Ser; replaces tyrosine 2091 with serine.
Molecular consequence: missense variant.
Genome position (GRCh38, 1-based): chr6:75,128,364, T>G on the plus strand (A>C on the coding strand, the complement: COL12A1 is on the minus strand). VCF-style: chr6-75128364-T-G. GRCh37 (hg19) VCF-style: chr6-75838080-T-G.
Other names: c.2780A>C, p.Tyr927Ser (NM_080645.3); short protein forms Y927S, Y2091S.
Identifiers: ClinVar variation 2464024 (VCV002464024.5), dbSNP rs1395925200, ClinGen allele CA364730416.
Genomic context (GRCh38, chr6:75,128,364, plus strand): 5'-CCATTTCCTGTTAGATGGCCACCATCTCCATCTTCATAAACAGCAATAACAGTAATTTTA[T>G]ATGGAGTGTCAGGTTGCAGGGGCTGCAGTATTACATTGTTTCTTCTGCCTGGGACTGTGG-3'
Protein context (NP_004361.3, residues 2081-2101): ILQPLQPDTP[Tyr2091Ser]KITVIAVYED

ClinVar aggregate classification (germline): Uncertain significance. Review status: criteria provided, multiple submitters, no conflicts (2 of 4 stars). 3 submissions from 3 submitters: Uncertain significance (3). Last evaluated 2025-04-08.

Conditions:
Inborn genetic diseases. Identifiers: MedGen C0950123, MeSH D030342.
Bethlem myopathy 2 (BTHLM2). Identifiers: Orphanet 536516, Orphanet 610, MedGen C4225313, MONDO:0034022, OMIM 616471.
Ullrich congenital muscular dystrophy 2 (UCMD2). Identifiers: Orphanet 75840, MedGen C4225314, MONDO:0014654, OMIM 616470.

Allele frequency attached by ClinVar (database versions not stated): gnomAD exomes below 0.00001; gnomAD 0.00001; TOPMed 0.00001.
gnomAD v4.1: 2 of 1,611,072 alleles (0.00012%); highest among the groups gnomAD compares: Admixed American, 0.0034%; no homozygotes.

Submissions (3):

GeneDx
Classification: Uncertain significance. Last evaluated: 2025-04-08. Review status: criteria provided, single submitter. Criteria: GeneDx Variant Classification Process June 2021. Collection method: clinical testing. Allele origin: germline. Affected: yes.
Comment: Not observed at significant frequency in large population cohorts (gnomAD); In silico analysis supports that this missense variant has a deleterious effect on protein structure/function; Has not been previously published as pathogenic or benign to our knowledge

Labcorp Genetics (formerly Invitae), Labcorp
Classification: Uncertain significance for Bethlem myopathy 2; Ullrich congenital muscular dystrophy 2. Last evaluated: 2024-07-29. Review status: criteria provided, single submitter. Criteria: Invitae Variant Classification Sherloc (09022015). Collection method: clinical testing. Allele origin: germline.
Comment: This sequence change replaces tyrosine, which is neutral and polar, with serine, which is neutral and polar, at codon 2091 of the COL12A1 protein (p.Tyr2091Ser). This variant is present in population databases (no rsID available, gnomAD 0.003%). This variant has not been reported in the literature in individuals affected with COL12A1-related conditions. ClinVar contains an entry for this variant (Variation ID: 2464024). Advanced modeling of protein sequence and biophysical properties (such as structural, functional, and spatial information, amino acid conservation, physicochemical variation, residue mobility, and thermodynamic stability) performed at Invitae indicates that this missense variant is expected to disrupt COL12A1 protein function with a positive predictive value of 80%. In summary, the available evidence is currently insufficient to determine the role of this variant in disease. Therefore, it has been classified as a Variant of Uncertain Significance.

Ambry Genetics
Classification: Uncertain significance for Inborn genetic diseases. Last evaluated: 2023-01-26. Review status: criteria provided, single submitter. Criteria: Ambry Variant Classification Scheme 2023. Collection method: clinical testing. Allele origin: germline.